The following is an entry in ClinVar:

ClinVar aggregate classification (germline): Conflicting classifications of pathogenicity. Review status: criteria provided, conflicting classifications (1 of 4 stars). 3 submissions from 3 submitters: Uncertain significance (1); Benign (1). 1 of the submissions does not count toward it. Last evaluated 2026-01-21.

Conditions:
X-linked dystonia-parkinsonism (DYT3). Also called: Lubag; TORSION DYSTONIA-PARKINSONISM, FILIPINO TYPE; DYT-TAF1. Identifiers: Orphanet 53351, MedGen C1839130, MONDO:0010747, OMIM 314250.
TAF1-related disorder. Also called: TAF1-related condition.

Allele frequency attached by ClinVar (database versions not stated): ExAC 0.00008; gnomAD exomes 0.00008 and 0.00029; TOPMed 0.00013; gnomAD 0.00014; 1000 Genomes Project 30x 0.00021; 1000 Genomes Project 0.00026; ESP Exome Variant Server 0.00028.
gnomAD v4.1: 326 of 1,209,172 alleles (0.027%); highest among the groups gnomAD compares: Non-Finnish European, 0.035%; no homozygotes.

Submissions (3):

Labcorp Genetics (formerly Invitae), Labcorp
Classification: Benign. Last evaluated: 2026-01-21. Review status: criteria provided, single submitter. Criteria: Invitae Variant Classification Sherloc (09022015). Collection method: clinical testing. Allele origin: germline.

Mayo Clinic Laboratories, Mayo Clinic
Classification: Uncertain significance. Last evaluated: 2023-08-30. Review status: criteria provided, single submitter. Criteria: ACMG Guidelines, 2015. Collection method: clinical testing. Allele origin: germline. Observed: 1 variant allele.
Comment: BS2

PreventionGenetics, part of Exact Sciences
Classification: Likely benign for TAF1-related condition. Last evaluated: 2024-08-26. Review status: no assertion criteria provided. Collection method: clinical testing. Allele origin: germline. Not counted in ClinVar's aggregate classification.
Comment: This variant is classified as likely benign based on ACMG/AMP sequence variant interpretation guidelines (Richards et al. 2015 PMID: 25741868, with internal and published modifications).

NM_004606.5(TAF1):c.235+3G>A

Gene: TAF1 (TATA-box binding protein associated factor 1; plus strand). Cytogenetic location: Xq13.1.
Variant type: single nucleotide variant.
Coding change: c.235+3G>A on transcript NM_004606.5 (MANE Select); 3 bases into the intron after coding-DNA position 235, G replaced by A.
Molecular consequence: intron variant.
Genome position (GRCh38, 1-based): chrX:71,367,616, G>A. VCF-style: chrX-71367616-G-A. GRCh37 (hg19) VCF-style: chrX-70587466-G-A.
Other names: p.?; c.235+3G>A (NM_001286074.2, NM_138923.4); c.295+3G>A (NM_001286074.1, NM_004606.4).
Identifiers: ClinVar variation 1339839 (VCV001339839.8), dbSNP rs368024152, ClinGen allele CA10446529.